The following is an entry in ClinVar:

NM_139076.3(ABRAXAS1):c.1123G>A (p.Gly375Ser)

Gene: ABRAXAS1 (abraxas 1, BRCA1 A complex subunit; minus strand). Cytogenetic location: 4q21.23.
Variant type: single nucleotide variant.
Coding change: c.1123G>A on transcript NM_139076.3 (MANE Select); coding-DNA position 1123, G replaced by A.
Protein change: p.Gly375Ser; replaces glycine 375 with serine.
Molecular consequence: missense variant.
Genome position (GRCh38, 1-based): chr4:83,462,576, C>T on the plus strand (G>A on the coding strand, the complement: ABRAXAS1 is on the minus strand). VCF-style: chr4-83462576-C-T. GRCh37 (hg19) VCF-style: chr4-84383729-C-T.
Other names: c.796G>A, p.Gly266Ser (NM_001345962.2); short protein forms G375S, G266S.
Identifiers: ClinVar variation 3994549 (VCV003994549.1).

ClinVar aggregate classification (germline): Uncertain significance (1 of 4 stars; one submission).

Submission:

Ambry Genetics
Classification: Uncertain significance. Last evaluated: 2025-04-05. Review status: criteria provided, single submitter. Criteria: Ambry Variant Classification Scheme 2023. Collection method: clinical testing. Allele origin: germline.
Comment: The p.G375S variant (also known as c.1123G>A), located in coding exon 9 of the FAM175A gene, results from a G to A substitution at nucleotide position 1123. The glycine at codon 375 is replaced by serine, an amino acid with similar properties. This amino acid position is conserved. In addition, this alteration is predicted to be tolerated by in silico analysis. Based on the available evidence, the clinical significance of this variant remains unclear.